The following is an entry in ClinVar:

ClinVar aggregate classification (germline): Pathogenic (1 of 4 stars; one submission).

Submission:

Labcorp Genetics (formerly Invitae), Labcorp
Classification: Pathogenic. Last evaluated: 2022-11-16. Review status: criteria provided, single submitter. Criteria: Invitae Variant Classification Sherloc (09022015). Collection method: clinical testing. Allele origin: germline.
Comment: For these reasons, this variant has been classified as Pathogenic. This variant has not been reported in the literature in individuals affected with DOCK6-related conditions. This variant is present in population databases (no rsID available, gnomAD 0.006%). This sequence change creates a premature translational stop signal (p.Leu1326Trpfs*65) in the DOCK6 gene. It is expected to result in an absent or disrupted protein product. Loss-of-function variants in DOCK6 are known to be pathogenic (PMID: 21820096, 25824905).

Literature cited by the submitters: PubMed 21820096; PubMed 25824905.

NM_020812.4(DOCK6):c.3975del (p.Leu1326fs)

Genes: DOCK6 (dedicator of cytokinesis 6; minus strand), DOCK6-AS1 (DOCK6 antisense RNA 1; plus strand). Cytogenetic location: 19p13.2.
Variant type: Deletion.
Coding change: c.3975del on transcript NM_020812.4 (MANE Select); coding-DNA position 3975, one base deleted (T; older notation c.3975delT).
Protein change: p.Leu1326fs; shifts the reading frame from leucine 1326.
Molecular consequence: frameshift variant.
Genome position (GRCh38, 1-based): chr19:11,215,847, A deleted on the plus strand (T on the coding strand, the reverse complement: DOCK6 is on the minus strand); the first of 2 consecutive A bases (chr19:11,215,847-11,215,848); deleting either gives the same sequence. VCF-style (leftmost placement, unchanged base first): chr19-11215846-GA-G. GRCh37 (hg19) VCF-style: chr19-11326522-GA-G.
Other names: c.4080del, p.Leu1361fs (NM_001367830.1); short protein forms L1326fs, L1361fs.
Identifiers: ClinVar variation 2001390 (VCV002001390.4), dbSNP rs1568227699, ClinGen allele CA631770980.